The following is an entry in ClinVar:

ClinVar aggregate classification (germline): Likely benign. Review status: criteria provided, multiple submitters, no conflicts (2 of 4 stars). 2 submissions from 2 submitters: Likely benign (2). Last evaluated 2025-09-01.

Conditions:
Bethlem myopathy 1A. Also called: MYOPATHY, BENIGN CONGENITAL, WITH CONTRACTURES; Bethlem myopathy 1; Bethlem Muscular Dystrophy. Identifiers: Orphanet 610, MedGen CN029274, MONDO:0024530, OMIM 158810.

Allele frequency attached by ClinVar (database versions not stated): gnomAD exomes below 0.00001 and 0.00002; ExAC 0.00002; gnomAD 0.00002; TOPMed 0.00003.
gnomAD v4.1: 9 of 1,612,648 alleles (0.00056%); highest among the groups gnomAD compares: African/African-American, 0.011%; no homozygotes.

Submissions (2):

CeGaT Center for Human Genetics Tuebingen
Classification: Likely benign. Last evaluated: 2025-09-01. Review status: criteria provided, single submitter. Criteria: CeGaT Center For Human Genetics Tuebingen Variant Classification Criteria Version 2. Collection method: clinical testing. Allele origin: germline. Affected: yes. Observed: 1 variant allele.
Comment: COL6A2: BP4, BP7

Labcorp Genetics (formerly Invitae), Labcorp
Classification: Likely benign for Bethlem myopathy 1A. Last evaluated: 2024-03-26. Review status: criteria provided, single submitter. Criteria: Invitae Variant Classification Sherloc (09022015). Collection method: clinical testing. Allele origin: germline.

NM_001849.4(COL6A2):c.1518C>T (p.Pro506=)

Gene: COL6A2 (collagen type VI alpha 2 chain; plus strand). Cytogenetic location: 21q22.3.
Variant type: single nucleotide variant.
Coding change: c.1518C>T on transcript NM_001849.4 (MANE Select); coding-DNA position 1518, C replaced by T.
Protein change: p.Pro506=; no amino-acid change (proline 506 retained).
Molecular consequence: synonymous variant.
Genome position (GRCh38, 1-based): chr21:46,121,615, C>T. VCF-style: chr21-46121615-C-T. GRCh37 (hg19) VCF-style: chr21-47541529-C-T.
Other names: c.1518C>T, p.Pro506= (NM_058174.3, NM_058175.3).
Identifiers: ClinVar variation 476453 (VCV000476453.18), dbSNP rs767192013, ClinGen allele CA10071922.